The following is an entry in ClinVar:

NM_002838.5(PTPRC):c.1864+2T>C

Gene: PTPRC (protein tyrosine phosphatase receptor type C; plus strand). Cytogenetic location: 1q32.1.
Variant type: single nucleotide variant.
Coding change: c.1864+2T>C on transcript NM_002838.5 (MANE Select); the canonical splice donor site of the intron after coding-DNA position 1864, T replaced by C.
Molecular consequence: splice donor variant.
Genome position (GRCh38, 1-based): chr1:198,729,173, T>C. VCF-style: chr1-198729173-T-C. GRCh37 (hg19) VCF-style: chr1-198698302-T-C.
Other names: c.1381+2T>C (NM_080921.4).
Identifiers: ClinVar variation 2811851 (VCV002811851.3), dbSNP rs2102475830, ClinGen allele CA344042453.

ClinVar aggregate classification (germline): Likely pathogenic (1 of 4 stars; one submission).

Conditions:
Immunodeficiency 104. Also called: Severe combined immunodeficiency, autosomal recessive, T cell-negative, B cell-positive, NK cell-positive; SCID, AUTOSOMAL RECESSIVE, T CELL-NEGATIVE, B CELL-POSITIVE, NK CELL-POSITIVE; Severe Combined Immune Deficiency, Autosomal Recessive, TCell -Negative, B Cell-Positive, NK Cell-Positive, IL7R-Related; IMMUNODEFICIENCY 104, SEVERE COMBINED. Identifiers: MedGen C5676890, MONDO:0012163, OMIM 608971.

Submission:

Labcorp Genetics (formerly Invitae), Labcorp
Classification: Likely pathogenic for Immunodeficiency 104. Last evaluated: 2022-11-03. Review status: criteria provided, single submitter. Criteria: Invitae Variant Classification Sherloc (09022015). Collection method: clinical testing. Allele origin: germline.
Comment: In summary, the currently available evidence indicates that the variant is pathogenic, but additional data are needed to prove that conclusively. Therefore, this variant has been classified as Likely Pathogenic. Algorithms developed to predict the effect of sequence changes on RNA splicing suggest that this variant may disrupt the consensus splice site. This variant has not been reported in the literature in individuals affected with PTPRC-related conditions. This variant is not present in population databases (gnomAD no frequency). This sequence change affects a donor splice site in intron 17 of the PTPRC gene. It is expected to disrupt RNA splicing. Variants that disrupt the donor or acceptor splice site typically lead to a loss of protein function (PMID: 16199547), and loss-of-function variants in PTPRC are known to be pathogenic (PMID: 10700239).

Literature cited by the submitters: PubMed 16199547; PubMed 10700239.